The following is an entry in ClinVar:

NM_032888.4(COL27A1):c.2995A>G (p.Ile999Val)

Gene: COL27A1 (collagen type XXVII alpha 1 chain; plus strand). Cytogenetic location: 9q32.
Variant type: single nucleotide variant.
Coding change: c.2995A>G on transcript NM_032888.4 (MANE Select); coding-DNA position 2995, A replaced by G.
Protein change: p.Ile999Val; replaces isoleucine 999 with valine.
Molecular consequence: missense variant.
Genome position (GRCh38, 1-based): chr9:114,250,630, A>G. VCF-style: chr9-114250630-A-G. GRCh37 (hg19) VCF-style: chr9-117012910-A-G.
Other names: short protein forms I999V.
Identifiers: ClinVar variation 1490723 (VCV001490723.5), dbSNP rs760730049, ClinGen allele CA5202208.

ClinVar aggregate classification (germline): Uncertain significance (1 of 4 stars; one submission).

Allele frequency attached by ClinVar (database versions not stated): ExAC 0.00001; gnomAD exomes 0.00001; gnomAD 0.00003 and 0.00004; TOPMed 0.00003.
gnomAD v4.1: 44 of 1,611,940 alleles (0.0027%); highest among the groups gnomAD compares: Non-Finnish European, 0.0034%; no homozygotes.

Submission:

Labcorp Genetics (formerly Invitae), Labcorp
Classification: Uncertain significance. Last evaluated: 2021-09-17. Review status: criteria provided, single submitter. Criteria: Invitae Variant Classification Sherloc (09022015). Collection method: clinical testing. Allele origin: germline.
Comment: This sequence change replaces isoleucine with valine at codon 999 of the COL27A1 protein (p.Ile999Val). The isoleucine residue is moderately conserved and there is a small physicochemical difference between isoleucine and valine. This variant is present in population databases (rs760730049, ExAC 0.001%). This variant has not been reported in the literature in individuals with COL27A1-related conditions. Algorithms developed to predict the effect of missense changes on protein structure and function output the following: SIFT: "Tolerated"; PolyPhen-2: "Not available"; Align-GVGD: "Class C0". The valine amino acid residue is found in multiple mammalian species, suggesting that this missense change does not adversely affect protein function. These predictions have not been confirmed by published functional studies and their clinical significance is uncertain. In summary, the available evidence is currently insufficient to determine the role of this variant in disease. Therefore, it has been classified as a Variant of Uncertain Significance.